The following is an entry in ClinVar:

NM_007294.4(BRCA1):c.134+3898T>G

Gene: BRCA1 (BRCA1 DNA repair associated; minus strand). Cytogenetic location: 17q21.31.
Variant type: single nucleotide variant.
Coding change: c.134+3898T>G on transcript NM_007294.4 (MANE Select); 3898 bases into the intron after coding-DNA position 134, T replaced by G.
Molecular consequence: intron variant.
Genome position (GRCh38, 1-based): chr17:43,111,828, A>C on the plus strand (T>G on the coding strand, the complement: BRCA1 is on the minus strand). VCF-style: chr17-43111828-A-C. GRCh37 (hg19) VCF-style: chr17-41263845-A-C.
Other names: IVS 3+3898T>G; c.-7-5295T>G (NM_001407736.1, NM_007297.4, NM_001407726.1 and 30 more transcripts); c.134+3898T>G (NM_001408475.1, NM_001407875.1, NM_001407659.1 and 191 more transcripts); c.-55+3898T>G (NM_001408509.1, NM_001408508.1, NM_001408491.1 and 52 more transcripts); c.-170-1248T>G (NM_001408492.1, NM_001407900.1); c.-123-1248T>G (NM_001408468.1, NM_001407842.1, NM_001407749.1 and 13 more transcripts); c.-55+659T>G (NM_001407889.1); c.-8+659T>G (NM_001407695.1); and 10 more.
Identifiers: ClinVar variation 209518 (VCV000209518.2), dbSNP rs8176116, ClinGen allele CA276487.

ClinVar aggregate classification (germline): Benign (3 of 4 stars; one submission).

Conditions:
Breast-ovarian cancer, familial, susceptibility to, 1 (BROVCA1). Also called: BRCA1 Hereditary Breast and Ovarian Cancer; OVARIAN CANCER, SUSCEPTIBILITY TO. Identifiers: Orphanet 145, MedGen C2676676, MONDO:0011450, OMIM 604370. Disease mechanism: loss of function.

Allele frequency attached by ClinVar (database versions not stated): gnomAD 0.00519 and 0.00539; TOPMed 0.00622; 1000 Genomes Project 0.00719; 1000 Genomes Project 30x 0.00828.
gnomAD v4.1: 791 of 152,264 alleles (0.52%); highest among the groups gnomAD compares: African/African-American, 1.3%; 3 homozygotes.

Submission:

Evidence-based Network for the Interpretation of Germline Mutant Alleles (ENIGMA)
Classification: Benign for Breast-ovarian cancer, familial 1. Last evaluated: 2015-01-12. Review status: reviewed by expert panel. Criteria: ENIGMA BRCA1/2 Classification Criteria (2015). Collection method: curation. Allele origin: germline.
Comment: Class 1 not pathogenic based on frequency >1% in an outbred sampleset. Frequency 0.01829 (African), derived from 1000 genomes (2012-04-30).